The following is an entry in ClinVar:

NM_000492.4(CFTR):c.2068A>G (p.Thr690Ala)

Gene: CFTR (CF transmembrane conductance regulator; plus strand). Cytogenetic location: 7q31.2.
Variant type: single nucleotide variant.
Coding change: c.2068A>G on transcript NM_000492.4 (MANE Select); coding-DNA position 2068, A replaced by G.
Protein change: p.Thr690Ala; replaces threonine 690 with alanine.
Molecular consequence: missense variant.
Genome position (GRCh38, 1-based): chr7:117,592,235, A>G. VCF-style: chr7-117592235-A-G. GRCh37 (hg19) VCF-style: chr7-117232289-A-G.
Other names: c.2068A>G (NM_000492.3); short protein forms T690A.
Identifiers: ClinVar variation 871192 (VCV000871192.45), dbSNP rs780579840, ClinGen allele CA4451136.

ClinVar aggregate classification (germline): Uncertain significance. Review status: criteria provided, multiple submitters, no conflicts (2 of 4 stars). 3 submissions from 3 submitters: Uncertain significance (3). Last evaluated 2024-04-02.

Conditions:
Cystic fibrosis (CF). Also called: MUCOVISCIDOSIS. Identifiers: Orphanet 586, MedGen C0010674, MONDO:0009061, OMIM 219700. Disease mechanism: loss of function.

Allele frequency attached by ClinVar (database versions not stated): gnomAD exomes below 0.00001 and 0.00001; ExAC 0.00001; gnomAD 0.00001; TOPMed 0.00002.
gnomAD v4.1: 13 of 1,613,692 alleles (0.00081%); highest among the groups gnomAD compares: Non-Finnish European, 0.0011%; no homozygotes.

Submissions (3):

Ambry Genetics
Classification: Uncertain significance for Cystic fibrosis. Last evaluated: 2024-04-02. Review status: criteria provided, single submitter. Criteria: Ambry Variant Classification Scheme 2023. Collection method: clinical testing. Allele origin: germline.
Comment: The p.T690A variant (also known as c.2068A>G), located in coding exon 14 of the CFTR gene, results from an A to G substitution at nucleotide position 2068. The threonine at codon 690 is replaced by alanine, an amino acid with similar properties. This amino acid position is not well conserved in available vertebrate species. In addition, the in silico prediction for this alteration is inconclusive. Based on the available evidence, the clinical significance of this alteration remains unclear.

Labcorp Genetics (formerly Invitae), Labcorp
Classification: Uncertain significance for Cystic fibrosis. Last evaluated: 2024-01-31. Review status: criteria provided, single submitter. Criteria: Invitae Variant Classification Sherloc (09022015). Collection method: clinical testing. Allele origin: germline.
Comment: This sequence change replaces threonine, which is neutral and polar, with alanine, which is neutral and non-polar, at codon 690 of the CFTR protein (p.Thr690Ala). This variant is present in population databases (rs780579840, gnomAD 0.0009%). This variant has not been reported in the literature in individuals affected with CFTR-related conditions. ClinVar contains an entry for this variant (Variation ID: 871192). Advanced modeling of protein sequence and biophysical properties (such as structural, functional, and spatial information, amino acid conservation, physicochemical variation, residue mobility, and thermodynamic stability) performed at Invitae indicates that this missense variant is not expected to disrupt CFTR protein function with a negative predictive value of 80%. In summary, the available evidence is currently insufficient to determine the role of this variant in disease. Therefore, it has been classified as a Variant of Uncertain Significance.

CeGaT Center for Human Genetics Tuebingen
Classification: Uncertain significance. Last evaluated: 2019-10-01. Review status: criteria provided, single submitter. Criteria: CeGaT Center For Human Genetics Tuebingen Variant Classification Criteria Version 2. Collection method: clinical testing. Allele origin: germline. Affected: yes. Observed: 1 variant allele.